The following is an entry in ClinVar:

ClinVar aggregate classification (germline): Likely pathogenic (1 of 4 stars; one submission).

Conditions:
LAMA2-related muscular dystrophy (LAMA2-RD). Also called: Laminin alpha 2-related dystrophy. Identifiers: MedGen C5679788, MONDO:0100228.

Submission:

Labcorp Genetics (formerly Invitae), Labcorp
Classification: Likely pathogenic for Laminin alpha 2-related dystrophy. Last evaluated: 2019-02-07. Review status: criteria provided, single submitter. Criteria: Invitae Variant Classification Sherloc (09022015). Collection method: clinical testing. Allele origin: germline.
Comment: This variant is a gross duplication of the genomic region encompassing exons 2-22 of the LAMA2 gene. While the exact position of the duplicated exons cannot be determined from this data, the duplicated copy of this region is likely in tandem and may result in an absent or disrupted protein product. This copy number variant has not been reported in the literature in individuals with LAMA2-related disease. Sub-genic duplications are generally in tandem (PMID: 25640679), and result in an absent or disrupted protein. Loss-of-function variants in LAMA2 are known to be pathogenic (PMID: 18700894). In summary, the currently available evidence indicates that the variant is pathogenic, but additional data are needed to prove that conclusively. Therefore, this variant has been classified as Likely Pathogenic.

NC_000006.11:g.(?_129371063)_(129622017_?)dup

Gene: LAMA2 (laminin subunit alpha 2; plus strand). Cytogenetic location: 6q22.33.
Variant type: Duplication.
Identifiers: ClinVar variation 583703 (VCV000583703.2).